The following is an entry in ClinVar:

NM_001367624.2(ZNF469):c.11134G>C (p.Ala3712Pro)

Gene: ZNF469 (zinc finger protein 469; plus strand). Cytogenetic location: 16q24.2.
Variant type: single nucleotide variant.
Coding change: c.11134G>C on transcript NM_001367624.2 (MANE Select); coding-DNA position 11134, G replaced by C.
Protein change: p.Ala3712Pro; replaces alanine 3712 with proline.
Molecular consequence: missense variant.
Genome position (GRCh38, 1-based): chr16:88,438,604, G>C. VCF-style: chr16-88438604-G-C. GRCh37 (hg19) VCF-style: chr16-88505012-G-C.
Other names: NM_001127464.1:c.11050G>C; short protein forms A3712P.
Identifiers: ClinVar variation 1206824 (VCV001206824.6), dbSNP rs759634111, ClinGen allele CA286387641.

ClinVar aggregate classification (germline): Uncertain significance. Review status: criteria provided, multiple submitters, no conflicts (2 of 4 stars). 2 submissions from 2 submitters: Uncertain significance (2). Last evaluated 2025-04-05.

Conditions:
Cardiovascular phenotype. Identifiers: MedGen CN230736.

gnomAD v4.1: 4 of 1,550,100 alleles (0.00026%); highest among the groups gnomAD compares: Non-Finnish European, 0.00035%; no homozygotes.

Submissions (2):

Ambry Genetics
Classification: Uncertain significance for Cardiovascular phenotype. Last evaluated: 2025-04-05. Review status: criteria provided, single submitter. Criteria: Ambry Variant Classification Scheme 2023. Collection method: clinical testing. Allele origin: germline.
Comment: The p.A3684P variant (also known as c.11050G>C), located in coding exon 2 of the ZNF469 gene, results from a G to C substitution at nucleotide position 11050. The alanine at codon 3684 is replaced by proline, an amino acid with highly similar properties. This amino acid position is conserved. In addition, this alteration is predicted to be tolerated by in silico analysis. Since supporting evidence is limited at this time, the clinical significance of this alteration remains unclear.

GeneDx
Classification: Uncertain significance. Last evaluated: 2021-05-17. Review status: criteria provided, single submitter. Criteria: GeneDx Variant Classification Process June 2021. Collection method: clinical testing. Allele origin: germline. Affected: yes.
Comment: Not observed at a significant frequency in large population cohorts (Lek et al., 2016); In silico analysis supports that this missense variant does not alter protein structure/function; Has not been previously published as pathogenic or benign to our knowledge